The following is an entry in ClinVar:

NM_006005.3(WFS1):c.662A>C (p.Lys221Thr)

Gene: WFS1 (wolframin ER transmembrane glycoprotein; plus strand). Cytogenetic location: 4p16.1.
Variant type: single nucleotide variant.
Coding change: c.662A>C on transcript NM_006005.3 (MANE Select); coding-DNA position 662, A replaced by C.
Protein change: p.Lys221Thr; replaces lysine 221 with threonine.
Molecular consequence: missense variant.
Genome position (GRCh38, 1-based): chr4:6,291,947, A>C. VCF-style: chr4-6291947-A-C. GRCh37 (hg19) VCF-style: chr4-6293674-A-C.
Other names: c.662A>C, p.Lys221Thr (NM_001145853.1); short protein forms K221T.
Identifiers: ClinVar variation 2091363 (VCV002091363.5), dbSNP rs780940994, ClinGen allele CA356172257.
Genomic context (GRCh38, chr4:6,291,947, plus strand): 5'-CTGACTGTTAATCCACCCTGTCCCCTGCAGATGGAGGGGCGCAGCCAGGCCCCGTGCCCA[A>C]GTCCCTGCAGAAGCAGAGGCGCATGCTGGAGCGCCTGGTCAGCAGCGAGTGTGAGTGCAG-3'
Protein context (NP_005996.2, residues 211-231): DGGAQPGPVP[Lys221Thr]SLQKQRRMLE

ClinVar aggregate classification (germline): Uncertain significance. Review status: criteria provided, multiple submitters, no conflicts (2 of 4 stars). 2 submissions from 2 submitters: Uncertain significance (2). Last evaluated 2024-02-27.

Conditions:
Wolfram-like syndrome. Also called: HEARING LOSS, PROGRESSIVE, WITH OPTIC ATROPHY AND/OR IMPAIRED GLUCOSE REGULATION. Identifiers: Orphanet 411590, MedGen C3280358, MONDO:0013673, OMIM 614296.
Autosomal dominant nonsyndromic hearing loss 6 (LFSNHL). Also called: DEAFNESS, AUTOSOMAL DOMINANT 6; DEAFNESS, AUTOSOMAL DOMINANT 14; DEAFNESS, AUTOSOMAL DOMINANT 38; Autosomal dominant nonsyndromic deafness 6. Identifiers: Orphanet 90635, MedGen C1833021, MONDO:0010963, OMIM 600965.
Type 2 diabetes mellitus. Also called: Type II diabetes mellitus. Identifiers: MedGen C0011860, MeSH D003924, MONDO:0005148, OMIM 125853, HP:0005978.
Wolfram syndrome 1 (WFS1). Identifiers: Orphanet 3463, MedGen C4551693, MONDO:0009101, OMIM 222300.
Cataract 41 (CTRCT41). Also called: CATARACT 41, CONGENITAL NUCLEAR TYPE. Identifiers: Orphanet 91492, Orphanet 98991, Orphanet 98992, Orphanet 98995, MedGen C3805412, MONDO:0007287, OMIM 116400.

gnomAD v4.1: 4 of 1,611,378 alleles (0.00025%); highest among the groups gnomAD compares: Non-Finnish European, 0.00034%; no homozygotes.

Submissions (2):

Fulgent Genetics
Classification: Uncertain significance for Cataract 41; Type 2 diabetes mellitus; Wolfram syndrome 1; Autosomal dominant nonsyndromic hearing loss 6; Wolfram-like syndrome. Last evaluated: 2024-02-27. Review status: criteria provided, single submitter. Criteria: ACMG Guidelines, 2015. Collection method: clinical testing. Allele origin: germline.

Labcorp Genetics (formerly Invitae), Labcorp
Classification: Uncertain significance. Last evaluated: 2023-02-20. Review status: criteria provided, single submitter. Criteria: Invitae Variant Classification Sherloc (09022015). Collection method: clinical testing. Allele origin: germline.
Comment: In summary, the available evidence is currently insufficient to determine the role of this variant in disease. Therefore, it has been classified as a Variant of Uncertain Significance. Advanced modeling of protein sequence and biophysical properties (such as structural, functional, and spatial information, amino acid conservation, physicochemical variation, residue mobility, and thermodynamic stability) performed at Invitae indicates that this missense variant is not expected to disrupt WFS1 protein function. This variant has not been reported in the literature in individuals affected with WFS1-related conditions. This variant is not present in population databases (gnomAD no frequency). This sequence change replaces lysine, which is basic and polar, with threonine, which is neutral and polar, at codon 221 of the WFS1 protein (p.Lys221Thr).